The following is an entry in ClinVar:

ClinVar aggregate classification (germline): Uncertain significance (1 of 4 stars; one submission).

Submission:

Labcorp Genetics (formerly Invitae), Labcorp
Classification: Uncertain significance. Last evaluated: 2023-01-08. Review status: criteria provided, single submitter. Criteria: Invitae Variant Classification Sherloc (09022015). Collection method: clinical testing. Allele origin: germline.
Comment: This variant has not been reported in the literature in individuals affected with GATA5-related conditions. In summary, the available evidence is currently insufficient to determine the role of this variant in disease. Therefore, it has been classified as a Variant of Uncertain Significance. Advanced modeling of protein sequence and biophysical properties (such as structural, functional, and spatial information, amino acid conservation, physicochemical variation, residue mobility, and thermodynamic stability) performed at Invitae indicates that this missense variant is not expected to disrupt GATA5 protein function. This variant is not present in population databases (gnomAD no frequency). This sequence change replaces glutamic acid, which is acidic and polar, with glutamine, which is neutral and polar, at codon 361 of the GATA5 protein (p.Glu361Gln).

NM_080473.5(GATA5):c.1081G>C (p.Glu361Gln)

Gene: GATA5 (GATA binding protein 5; minus strand). Cytogenetic location: 20q13.33.
Variant type: single nucleotide variant.
Coding change: c.1081G>C on transcript NM_080473.5 (MANE Select); coding-DNA position 1081, G replaced by C.
Protein change: p.Glu361Gln; replaces glutamic acid 361 with glutamine.
Molecular consequence: missense variant.
Genome position (GRCh38, 1-based): chr20:62,464,949, C>G on the plus strand (G>C on the coding strand, the complement: GATA5 is on the minus strand). VCF-style: chr20-62464949-C-G. GRCh37 (hg19) VCF-style: chr20-61040005-C-G.
Other names: short protein forms E361Q.
Identifiers: ClinVar variation 2826951 (VCV002826951.3), dbSNP rs2516435876, ClinGen allele CA409551898.
Genomic context (GRCh38, chr20:62,464,949, plus strand): 5'-CAGCCTGGGGGCTTGGGGCCGTGGAGGGGAAGGCAAAGTCCTCAGGCTCGAACTTGAACT[C>G]CAAGTGGCCGGGGGCAAGAGAGTCATCCTCCTGGCCAGAGGCCTGCAGGGACAGGAGAGC-3'
Protein context (NP_536721.1, residues 351-371): EDDSLAPGHL[Glu361Gln]FKFEPEDFAF